The following is an entry in ClinVar:

NM_007294.4(BRCA1):c.181T>G (p.Cys61Gly)

Gene: BRCA1 (BRCA1 DNA repair associated; minus strand). Cytogenetic location: 17q21.31.
Variant type: single nucleotide variant.
Coding change: c.181T>G on transcript NM_007294.4 (MANE Select); coding-DNA position 181, T replaced by G.
Protein change: p.Cys61Gly; replaces cysteine 61 with glycine.
Molecular consequence: missense variant. On other transcripts: non-coding transcript variant (1).
Genome position (GRCh38, 1-based): chr17:43,106,487, A>C on the plus strand (T>G on the coding strand, the complement: BRCA1 is on the minus strand). VCF-style: chr17-43106487-A-C. GRCh37 (hg19) VCF-style: chr17-41258504-A-C.
Other names: p.C61G:TGT>GGT; NP_009225.1:p.Cys61Gly; 300T>G; c.-8T>G (NM_001407571.1, NM_001407853.1, NM_001407879.1 and 58 more transcripts); c.181T>G, p.Cys61Gly (NM_001407581.1, NM_001407582.1, NM_001407583.1 and 168 more transcripts); c.40T>G, p.Cys14Gly (NM_001407692.1, NM_001407694.1, NM_001407695.1 and 99 more transcripts); short protein forms C61G, C14G.
Identifiers: ClinVar variation 17661 (VCV000017661.167), dbSNP rs28897672, ClinGen allele CA001182.

ClinVar aggregate classification (germline): Pathogenic. Review status: reviewed by expert panel (3 of 4 stars). 76 submissions from 70 submitters: Pathogenic (1). 75 of the submissions do not count toward it. Last evaluated 2015-08-10.

Conditions:
Inherited ovarian cancer (without breast cancer).
Inherited breast cancer and ovarian cancer.
BRCA1-related cancer predisposition. Identifiers: MedGen CN377757, MONDO:0700268.
Breast-ovarian cancer, familial, susceptibility to, 1 (BROVCA1). Also called: BRCA1 Hereditary Breast and Ovarian Cancer; OVARIAN CANCER, SUSCEPTIBILITY TO. Identifiers: Orphanet 145, MedGen C2676676, MONDO:0011450, OMIM 604370. Disease mechanism: loss of function.
Fanconi anemia, complementation group S (FANCS). Identifiers: MedGen C4554406, MONDO:0054748, OMIM 617883.
Pancreatic cancer, susceptibility to, 4. Identifiers: Orphanet 1333, MedGen C3280442, MONDO:0013685, OMIM 614320.
BRCA1-related disorder. Also called: BRCA1-related condition.
Hereditary cancer-predisposing syndrome. Also called: Neoplastic Syndromes, Hereditary; Tumor predisposition; Hereditary Cancer Syndrome; Hereditary neoplastic syndrome. Identifiers: Orphanet 140162, MedGen C0027672, MeSH D009386, MONDO:0015356.
Breast and/or ovarian cancer. Identifiers: MedGen CN221562.
Breast neoplasm. Also called: Neoplasm of breast; Breast tumor; Breast Neoplasms; Neoplasm of the breast. Identifiers: MedGen C1458155, MeSH D001943, MONDO:0021100, HP:0100013. Disease mechanism: gain of function.
Hereditary breast ovarian cancer syndrome. Also called: Hereditary breast and ovarian cancer; Breast and ovarian cancer; Hereditary breast and/or ovarian cancer syndrome; BRCA1- and BRCA2-Associated Hereditary Breast and Ovarian Cancer; Hereditary breast and ovarian cancer syndrome; Hereditary breast and ovarian cancer syndrome (HBOC). Identifiers: Orphanet 145, MedGen C0677776, MeSH D061325, MONDO:0003582. Disease mechanism: loss of function.
Ovarian neoplasm. Also called: Neoplasm of ovary; Ovarian tumor; Ovarian Neoplasms. Identifiers: MedGen C0919267, MeSH D010051, MONDO:0021068, HP:0100615.
Familial cancer of breast. Also called: Hereditary breast cancer; hereditary breast carcinoma; BREAST CANCER, FAMILIAL. Identifiers: Orphanet 227535, MedGen C0346153, MONDO:0016419, OMIM 114480. Disease mechanism: loss of function.
Breast carcinoma. Also called: Carcinoma of breast. Identifiers: MedGen C0678222, MONDO:0004989, HP:0003002.

Allele frequency attached by ClinVar (database versions not stated): ExAC 0.00007; gnomAD 0.00003 and 0.00004; gnomAD exomes 0.00003 and 0.00002; TOPMed 0.00002.
gnomAD v4.1: 30 of 1,604,818 alleles (0.0019%); highest among the groups gnomAD compares: Non-Finnish European, 0.0024%; no homozygotes.

Submissions 1 to 12 of 77:

Evidence-based Network for the Interpretation of Germline Mutant Alleles (ENIGMA)
Classification: Pathogenic for Breast-ovarian cancer, familial 1. Last evaluated: 2015-08-10. Review status: reviewed by expert panel. Criteria: ENIGMA BRCA1/2 Classification Criteria (2015). Collection method: curation. Allele origin: germline.
Comment: IARC class based on posterior probability from multifactorial likelihood analysis, thresholds for class as per Plon et al. 2008 (PMID: 18951446). Class 5 based on posterior probability = 1

Genomics and Molecular Medicine Service, East Genomic Laboratory Hub, NHS Genomic Medicine Service
Classification: Pathogenic for Inherited breast cancer and ovarian cancer. Last evaluated: 2026-10-12. Review status: criteria provided, single submitter. Criteria: ACGS Best Practice Guidelines for Variant Classification in Rare Disease 2020. Collection method: clinical testing. Allele origin: germline. Affected: yes. Not counted in ClinVar's aggregate classification.
Comment: PS3,PS4_Very Strong,PP3,PP4_Very Strong

Genetics Laboratory, Great Ormond Street Hospital NHS Foundation Trust, North Thames Genomic Laboratory Hub
Classification: Pathogenic for Inherited breast cancer and ovarian cancer. Last evaluated: 2026-08-05. Review status: criteria provided, single submitter. Criteria: CanVIG BRCA Gene Specific V1.22. Collection method: clinical testing. Allele origin: germline. Affected: yes. Not counted in ClinVar's aggregate classification.
Comment: PS4_very-strong, PP3_supporting, PS3_strong, PP4_very-strong

Cambridge Genomics Laboratory, East Genomic Laboratory Hub, NHS Genomic Medicine Service
Classification: Pathogenic for Inherited breast cancer and ovarian cancer. Last evaluated: 2026-07-06. Review status: criteria provided, single submitter. Criteria: ACGS Best Practice Guidelines for Variant Classification in Rare Disease 2020. Collection method: clinical testing. Allele origin: germline. Affected: yes. Not counted in ClinVar's aggregate classification.
Comment: the same text as in the submission from Genomics and Molecular Medicine Service, East Genomic Laboratory Hub, NHS Genomic Medicine Service above.

Institute of Human Genetics, University of Leipzig Medical Center
Classification: Pathogenic for Breast-ovarian cancer, familial, susceptibility to, 1. Last evaluated: 2026-06-29. Review status: criteria provided, single submitter. Criteria: ACMG Guidelines, 2015. Collection method: clinical testing. Allele origin: unknown. Inheritance: Autosomal dominant inheritance. Affected: yes. Not counted in ClinVar's aggregate classification.
Comment: Criteria applied: PP4_VSTR,PS3,PS4,PP3

PreventionGenetics, part of Exact Sciences
Classification: Pathogenic for BRCA1-related condition. Last evaluated: 2026-06-17. Review status: criteria provided, single submitter. Criteria: ACMG Guidelines, 2015. Collection method: clinical testing. Allele origin: germline. Not counted in ClinVar's aggregate classification.
Comment: The BRCA1 c.181T>G variant is predicted to result in the amino acid substitution p.Cys61Gly. This variant has previously been documented causative for breast-ovarian cancer and reported as a founder variant in the Polish and Belarus populations (Górski et al. 2000. PubMed ID: 10788334; Bogdanova et al. 2010. PubMed ID: 20569256; Lindor et al. 2012. PubMed ID: 21990134). It has also been shown to be deleterious using functional assays (Bouwman et al. 2013. PubMed ID: 23867111; Towler et al. 2013. PubMed ID: 23161852). This variant is reported in 0.006% of alleles in individuals of European (Non-Finnish) descent in gnomAD. In ClinVar, it is reported as pathogenic by multiple submitters (Variation ID: 17661). This variant is interpreted as pathogenic.

CeGaT Center for Human Genetics Tuebingen
Classification: Pathogenic. Last evaluated: 2026-03-01. Review status: criteria provided, single submitter. Criteria: CeGaT Center For Human Genetics Tuebingen Variant Classification Criteria Version 2. Collection method: clinical testing. Allele origin: germline. Affected: yes. Observed: 18 variant alleles. Not counted in ClinVar's aggregate classification.
Comment: BRCA1: PM1, PM5, PS3:Moderate, PS4:Moderate, PM2:Supporting, PP1

Labcorp Genetics (formerly Invitae), Labcorp
Classification: Pathogenic for Hereditary breast ovarian cancer syndrome. Last evaluated: 2026-02-03. Review status: criteria provided, single submitter. Criteria: Invitae Variant Classification Sherloc (09022015). Collection method: clinical testing. Allele origin: germline. Not counted in ClinVar's aggregate classification.
Comment: This sequence change replaces cysteine, which is neutral and slightly polar, with glycine, which is neutral and non-polar, at codon 61 of the BRCA1 protein (p.Cys61Gly). This variant is present in population databases (rs28897672, gnomAD 0.006%). This missense change has been observed in individual(s) with breast and/or ovarian cancer (PMID: 7894493, 10788334, 20180014, 21324516). It is commonly reported in individuals of Eastern European ancestry (PMID: 19594371, 20345474, 20507347, 20569256). This variant is also known as 300T>G. ClinVar contains an entry for this variant (Variation ID: 17661). Invitae Evidence Modeling incorporating data from in vitro experimental studies (PMID: 30209399) indicates that this missense variant is expected to disrupt BRCA1 function with a positive predictive value of 95%. Experimental studies have shown that this missense change affects BRCA1 function (PMID: 9525870, 11278247, 22172724, 22843421, 23161852, 23867111). For these reasons, this variant has been classified as Pathogenic.

Center for Genomic Medicine, Rigshospitalet, Copenhagen University Hospital
Classification: Pathogenic. Last evaluated: 2025-12-29. Review status: criteria provided, single submitter. Criteria: ACMG Guidelines, 2015. Collection method: clinical testing. Allele origin: germline. Not counted in ClinVar's aggregate classification.

Institute of Human Genetics, University of Leipzig Medical Center
Classification: Pathogenic for Familial cancer of breast. Last evaluated: 2025-11-24. Review status: criteria provided, single submitter. Criteria: ACMG Guidelines, 2015. Collection method: clinical testing. Allele origin: maternal. Inheritance: Autosomal dominant inheritance. Affected: yes. Not counted in ClinVar's aggregate classification.
Comment: the same text as in the submission from Institute of Human Genetics, University of Leipzig Medical Center above.

NHS Central & South Genomic Laboratory Hub
Classification: Pathogenic for Inherited ovarian cancer (without breast cancer). Last evaluated: 2025-09-25. Review status: criteria provided, single submitter. Criteria: ACMG Guidelines, 2015. Collection method: clinical testing. Allele origin: germline. Affected: yes. Not counted in ClinVar's aggregate classification.

Institute of Human Genetics, FAU Erlangen, Friedrich-Alexander-Universität Erlangen-Nürnberg
Classification: Pathogenic. Last evaluated: 2025-08-04. Review status: criteria provided, single submitter. Criteria: Hauer et al. (Genet Med. 2018). Collection method: clinical testing. Allele origin: germline. Inheritance: Unknown mechanism. Affected: yes. Observed: 1 variant allele. Not counted in ClinVar's aggregate classification.
Comment: This variant has been identified by standard clinical testing.